The following is an entry in ClinVar:

NM_018941.4(CLN8):c.844C>T (p.Arg282Trp)

Gene: CLN8 (CLN8 transmembrane ER and ERGIC protein; plus strand). Cytogenetic location: 8p23.3.
Variant type: single nucleotide variant.
Coding change: c.844C>T on transcript NM_018941.4 (MANE Select); coding-DNA position 844, C replaced by T.
Protein change: p.Arg282Trp; replaces arginine 282 with tryptophan.
Molecular consequence: missense variant.
Genome position (GRCh38, 1-based): chr8:1,780,550, C>T. VCF-style: chr8-1780550-C-T. GRCh37 (hg19) VCF-style: chr8-1728716-C-T.
Other names: short protein forms R282W.
Identifiers: ClinVar variation 1436830 (VCV001436830.5), dbSNP rs587780898, ClinGen allele CA4599366.

ClinVar aggregate classification (germline): Uncertain significance. Review status: criteria provided, multiple submitters, no conflicts (2 of 4 stars). 2 submissions from 2 submitters: Uncertain significance (2). Last evaluated 2024-07-22.

Conditions:
Neuronal ceroid lipofuscinosis. Also called: Neuronal Ceroid Lipofuscinoses. Identifiers: Orphanet 216, Orphanet 79263, MedGen C0027877, MONDO:0016295. Disease mechanism: loss of function.
Neuronal ceroid lipofuscinosis 8 northern epilepsy variant. Also called: EPILEPSY, PROGRESSIVE, WITH MENTAL RETARDATION; NORTHERN EPILEPSY. Identifiers: Orphanet 1947, MedGen C1864923, MONDO:0012391, OMIM 610003.
Neuronal ceroid lipofuscinosis 8 (CLN8). Also called: CLN8-Related Neuronal Ceroid-Lipofuscinosis. Identifiers: Orphanet 168491, Orphanet 228354, Orphanet 79264, MedGen C1838570, MONDO:0010830, OMIM 600143.

Allele frequency attached by ClinVar (database versions not stated): gnomAD 0.00004.

Submissions (2):

Labcorp Genetics (formerly Invitae), Labcorp
Classification: Uncertain significance for Neuronal ceroid lipofuscinosis. Last evaluated: 2024-07-22. Review status: criteria provided, single submitter. Criteria: Invitae Variant Classification Sherloc (09022015). Collection method: clinical testing. Allele origin: germline.
Comment: This sequence change replaces arginine, which is basic and polar, with tryptophan, which is neutral and slightly polar, at codon 282 of the CLN8 protein (p.Arg282Trp). This variant is present in population databases (rs587780898, gnomAD 0.01%). This variant has not been reported in the literature in individuals affected with CLN8-related conditions. ClinVar contains an entry for this variant (Variation ID: 1436830). Advanced modeling of protein sequence and biophysical properties (such as structural, functional, and spatial information, amino acid conservation, physicochemical variation, residue mobility, and thermodynamic stability) has been performed at Invitae for this missense variant, however the output from this modeling did not meet the statistical confidence thresholds required to predict the impact of this variant on CLN8 protein function. In summary, the available evidence is currently insufficient to determine the role of this variant in disease. Therefore, it has been classified as a Variant of Uncertain Significance.

Department of Pathology and Laboratory Medicine, Sinai Health System
Classification: Uncertain significance for Neuronal ceroid lipofuscinosis 8 northern epilepsy variant; Neuronal ceroid lipofuscinosis 8. Last evaluated: 2023-02-06. Review status: criteria provided, single submitter. Criteria: ACMG Guidelines, 2015. Collection method: research. Allele origin: germline.